The following is an entry in ClinVar:

ClinVar aggregate classification (germline): Uncertain significance. Review status: criteria provided, multiple submitters, no conflicts (2 of 4 stars). 3 submissions from 3 submitters: Uncertain significance (3). Last evaluated 2024-12-20.

Conditions:
Autosomal dominant nonsyndromic hearing loss 1. Also called: KONIGSMARK SYNDROME; DEAFNESS, AUTOSOMAL DOMINANT 1, WITH OR WITHOUT THROMBOCYTOPENIA. Identifiers: Orphanet 90635, MedGen C1852282, MONDO:0007424, OMIM 124900.
Progressive microcephaly-seizures-cortical blindness-developmental delay syndrome. Also called: Seizures, cortical blindness, and microcephaly syndrome. Identifiers: Orphanet 477814, MedGen C5567650, MONDO:0014714, OMIM 616632.
Inborn genetic diseases. Identifiers: MedGen C0950123, MeSH D030342.
DIAPH1-related disorder. Also called: DIAPH1-related condition.

Allele frequency attached by ClinVar (database versions not stated): TOPMed below 0.00001.
gnomAD v4.1: 1 of 1,613,390 alleles (0.000062%); highest among the groups gnomAD compares: South Asian, 0.0011%; no homozygotes.

Submissions (3):

Ambry Genetics
Classification: Uncertain significance for Inborn genetic diseases. Last evaluated: 2024-12-20. Review status: criteria provided, single submitter. Criteria: Ambry Variant Classification Scheme 2023. Collection method: clinical testing. Allele origin: germline.

PreventionGenetics, part of Exact Sciences
Classification: Uncertain significance for DIAPH1-related condition. Last evaluated: 2023-02-14. Review status: criteria provided, single submitter. Criteria: ACMG Guidelines, 2015. Collection method: clinical testing. Allele origin: germline.
Comment: The DIAPH1 c.1258G>A variant is predicted to result in the amino acid substitution p.Val420Ile. To our knowledge, this variant has not been reported in the literature or in a large population database, indicating this variant is rare. At this time, the clinical significance of this variant is uncertain due to the absence of conclusive functional and genetic evidence.

Labcorp Genetics (formerly Invitae), Labcorp
Classification: Uncertain significance for Progressive microcephaly-seizures-cortical blindness-developmental delay syndrome; Autosomal dominant nonsyndromic hearing loss 1. Last evaluated: 2022-09-07. Review status: criteria provided, single submitter. Criteria: Invitae Variant Classification Sherloc (09022015). Collection method: clinical testing. Allele origin: germline.
Comment: This sequence change replaces valine, which is neutral and non-polar, with isoleucine, which is neutral and non-polar, at codon 420 of the DIAPH1 protein (p.Val420Ile). This variant is not present in population databases (gnomAD no frequency). This variant has not been reported in the literature in individuals affected with DIAPH1-related conditions. ClinVar contains an entry for this variant (Variation ID: 1405881). Algorithms developed to predict the effect of missense changes on protein structure and function are either unavailable or do not agree on the potential impact of this missense change (SIFT: "Tolerated"; PolyPhen-2: "Not Available"; Align-GVGD: "Class C0"). In summary, the available evidence is currently insufficient to determine the role of this variant in disease. Therefore, it has been classified as a Variant of Uncertain Significance.

NM_005219.5(DIAPH1):c.1258G>A (p.Val420Ile)

Gene: DIAPH1 (diaphanous related formin 1; minus strand). Cytogenetic location: 5q31.3.
Variant type: single nucleotide variant.
Coding change: c.1258G>A on transcript NM_005219.5 (MANE Select); coding-DNA position 1258, G replaced by A.
Protein change: p.Val420Ile; replaces valine 420 with isoleucine.
Molecular consequence: missense variant.
Genome position (GRCh38, 1-based): chr5:141,577,497, C>T on the plus strand (G>A on the coding strand, the complement: DIAPH1 is on the minus strand). VCF-style: chr5-141577497-C-T. GRCh37 (hg19) VCF-style: chr5-140957064-C-T.
Other names: c.1231G>A, p.Val411Ile (NM_001079812.3); c.1258G>A, p.Val420Ile (NM_001314007.2); c.1258G>A (NM_005219.4); short protein forms V411I, V420I.
Identifiers: ClinVar variation 1405881 (VCV001405881.10), dbSNP rs2099896137, ClinGen allele CA361528704.
Genomic context (GRCh38, chr5:141,577,497, plus strand): 5'-GCTCAAATTCAAAACTTCTCATAAGCACAGCATCTTACCTGGCCTCATAGTCATTTCGGA[C>T]CAAGAGTAAGTGCTGCAGGATGGAAAGGAAGTGTGGCTCTGCCTTTGAATCCTTCACTGT-3'
Protein context (NP_005210.3, residues 410-430): FLSILQHLLL[Val420Ile]RNDYEARPQY